The following is an entry in ClinVar:

NM_015910.7(WDPCP):c.1562T>G (p.Phe521Cys)

Gene: WDPCP (WD repeat containing planar cell polarity effector; minus strand). Cytogenetic location: 2p15.
Variant type: single nucleotide variant.
Coding change: c.1562T>G on transcript NM_015910.7 (MANE Select); coding-DNA position 1562, T replaced by G.
Protein change: p.Phe521Cys; replaces phenylalanine 521 with cysteine.
Molecular consequence: missense variant. On other transcripts: non-coding transcript variant (3).
Genome position (GRCh38, 1-based): chr2:63,381,968, A>C on the plus strand (T>G on the coding strand, the complement: WDPCP is on the minus strand). VCF-style: chr2-63381968-A-C. GRCh37 (hg19) VCF-style: chr2-63609103-A-C.
Other names: c.1085T>G, p.Phe362Cys (NM_001042692.3); c.1490T>G, p.Phe497Cys (NM_001354044.2); c.1562T>G, p.Phe521Cys (NM_001354045.2); short protein forms F497C, F362C, F521C.
Identifiers: ClinVar variation 4996048 (VCV004996048.1).

ClinVar aggregate classification (germline): Uncertain significance (1 of 4 stars; one submission).

Conditions:
WDPCP-related disorder. Also called: WDPCP-related condition.

gnomAD v4.1: 5 of 1,613,558 alleles (0.00031%); highest among the groups gnomAD compares: South Asian, 0.0055%; no homozygotes.

Submission:

PreventionGenetics, part of Exact Sciences
Classification: Uncertain significance for WDPCP-related condition. Last evaluated: 2026-05-18. Review status: criteria provided, single submitter. Criteria: ACMG Guidelines, 2015. Collection method: clinical testing. Allele origin: germline.
Comment: The WDPCP c.1562T>G variant is predicted to result in the amino acid substitution p.Phe521Cys. To our knowledge, this variant has not been reported in the literature or in a large population database (gnomAD), indicating this variant is rare. At this time, the clinical significance of this variant is uncertain due to the absence of conclusive functional and genetic evidence.